The following is an entry in ClinVar:

ClinVar aggregate classification (germline): Conflicting classifications of pathogenicity. Review status: criteria provided, conflicting classifications (1 of 4 stars). 9 submissions from 9 submitters: Uncertain significance (6); Likely benign (2). 1 of the submissions does not count toward it. Last evaluated 2025-10-07.

Conditions:
Hereditary cancer-predisposing syndrome. Also called: Tumor predisposition; Neoplastic Syndromes, Hereditary; Hereditary Cancer Syndrome; Hereditary neoplastic syndrome. Identifiers: Orphanet 140162, MedGen C0027672, MeSH D009386, MONDO:0015356.
Hereditary breast ovarian cancer syndrome. Also called: Hereditary breast and ovarian cancer syndrome (HBOC); Hereditary breast and ovarian cancer syndrome; Hereditary breast and ovarian cancer; Hereditary breast and/or ovarian cancer syndrome; Breast and ovarian cancer; BRCA1- and BRCA2-Associated Hereditary Breast and Ovarian Cancer. Identifiers: Orphanet 145, MedGen C0677776, MeSH D061325, MONDO:0003582. Disease mechanism: loss of function.
Breast-ovarian cancer, familial, susceptibility to, 1 (BROVCA1). Also called: OVARIAN CANCER, SUSCEPTIBILITY TO; BRCA1 Hereditary Breast and Ovarian Cancer. Identifiers: Orphanet 145, MedGen C2676676, MONDO:0011450, OMIM 604370. Disease mechanism: loss of function.

Allele frequency attached by ClinVar (database versions not stated): gnomAD exomes below 0.00001 and 0.00002; gnomAD 0.00001.
gnomAD v4.1: 29 of 1,613,632 alleles (0.0018%); highest among the groups gnomAD compares: Non-Finnish European, 0.0023%; no homozygotes.

Submissions (9):

Labcorp Genetics (formerly Invitae), Labcorp
Classification: Uncertain significance for Hereditary breast ovarian cancer syndrome. Last evaluated: 2025-10-07. Review status: criteria provided, single submitter. Criteria: Invitae Variant Classification Sherloc (09022015). Collection method: clinical testing. Allele origin: germline.
Comment: This sequence change replaces glycine, which is neutral and non-polar, with alanine, which is neutral and non-polar, at codon 1087 of the BRCA1 protein (p.Gly1087Ala). This variant is present in population databases (rs80357172, gnomAD 0.007%). This missense change has been observed in individual(s) with familial epithelial ovarian cancer (PMID: 15385441). ClinVar contains an entry for this variant (Variation ID: 54812). Invitae Evidence Modeling of protein sequence and biophysical properties (such as structural, functional, and spatial information, amino acid conservation, physicochemical variation, residue mobility, and thermodynamic stability) indicates that this missense variant is expected to disrupt BRCA1 protein function with a positive predictive value of 80%. In summary, the available evidence is currently insufficient to determine the role of this variant in disease. Therefore, it has been classified as a Variant of Uncertain Significance.

Women's Health and Genetics/Laboratory Corporation of America, LabCorp
Classification: Uncertain significance. Last evaluated: 2025-09-03. Review status: criteria provided, single submitter. Criteria: LabCorp Variant Classification Summary - May 2015. Collection method: clinical testing. Allele origin: germline.
Comment: Variant summary: BRCA1 c.3260G>C (p.Gly1087Ala) results in a non-conservative amino acid change in the encoded protein sequence. Algorithms developed to predict the effect of missense changes on protein structure and function are either unavailable or do not agree on the potential impact of this missense change. The variant allele was found at a frequency of 4e-06 in 250540 control chromosomes. The available data on variant occurrences in the general population are insufficient to allow any conclusion about variant significance. c.3260G>C has been reported in the literature in at least one individual affected with familial epithelial ovarian cancer without evidence of causality (e.g. Flaum_2022). This report does not provide unequivocal conclusions about association of the variant with Hereditary Breast And Ovarian Cancer Syndrome. Co-occurrences with other pathogenic variant(s) have been reported (BRCA1 c.2594del, p.K865Sfs*28, internal data), providing supporting evidence for a benign role. To our knowledge, no experimental evidence demonstrating an impact on protein function has been reported. The following publication has been ascertained in the context of this evaluation (PMID: 36169650). ClinVar contains an entry for this variant (Variation ID: 54812). Based on the evidence outlined above, the variant was classified as uncertain significance.

Color Diagnostics, LLC DBA Color Health
Classification: Likely benign for Hereditary cancer-predisposing syndrome. Last evaluated: 2024-08-02. Review status: criteria provided, single submitter. Criteria: ACMG Guidelines, 2015. Collection method: clinical testing. Allele origin: germline.

Ambry Genetics
Classification: Uncertain significance for Hereditary cancer-predisposing syndrome. Last evaluated: 2024-06-20. Review status: criteria provided, single submitter. Criteria: Ambry Variant Classification Scheme 2023. Collection method: clinical testing. Allele origin: germline.
Comment: The p.G1087A variant (also known as c.3260G>C), located in coding exon 9 of the BRCA1 gene, results from a G to C substitution at nucleotide position 3260. The glycine at codon 1087 is replaced by alanine, an amino acid with similar properties. This alteration was identified in an individual diagnosed with ovarian cancer (Flaum N et al. Genet Med, 2022 Dec;24:2578-2586). This amino acid position is not well conserved in available vertebrate species. In addition, this alteration is predicted to be tolerated by in silico analysis. Based on the available evidence, the clinical significance of this variant remains unclear.

Quest Diagnostics Nichols Institute San Juan Capistrano
Classification: Uncertain significance. Last evaluated: 2023-12-01. Review status: criteria provided, single submitter. Criteria: Quest Diagnostics criteria. Collection method: clinical testing. Allele origin: unknown.
Comment: The BRCA1 c.3260G>C (p.Gly1087Ala) variant has been reported in the published literature in an individual with ovarian cancer (PMID: 36169650 (2022)) and described to be located in a region of the BRCA1 gene that is tolerant to missense sequence changes (PMID: 31911673 (2020)). In a large-scale breast cancer association study, this variant has been reported in unaffected individuals (PMID: 33471991 (2021), see also LOVD).The frequency of this variant in the general population, 0.000004 (1/250540 chromosomes (Genome Aggregation Database)), is uninformative in the assessment of its pathogenicity. Analysis of this variant using bioinformatics tools for the prediction of the effect of amino acid changes on protein structure and function yielded predictions that this variant is benign. Based on the available information, we are unable to determine the clinical significance of this variant.

GeneDx
Classification: Uncertain significance. Last evaluated: 2023-09-13. Review status: criteria provided, single submitter. Criteria: GeneDx Variant Classification Process June 2021. Collection method: clinical testing. Allele origin: germline. Affected: yes.
Comment: Not observed at significant frequency in large population cohorts (gnomAD); In silico analysis supports that this missense variant has a deleterious effect on protein structure/function; Observed in an individual with ovarian cancer who also had a family history of ovarian cancer (Flaum et al., 2022); Also known as 3379G>C; This variant is associated with the following publications: (PMID: 31131967, 31853058, 36169650)

University of Washington Department of Laboratory Medicine, University of Washington
Classification: Likely benign for Hereditary cancer-predisposing syndrome. Last evaluated: 2023-03-23. Review status: criteria provided, single submitter. Criteria: Dines et al. (Genet Med. 2020). Collection method: curation. Allele origin: germline.
Comment: Missense variant in a coldspot region where missense variants are very unlikely to be pathogenic (PMID:31911673).

BRCA1 coldspot (exon 11 using historical exon numbering). Reclassification based on statistical prior probability

All of Us Research Program, National Institutes of Health
Classification: Uncertain significance for Breast-ovarian cancer, familial, susceptibility to, 1. Last evaluated: 2023-03-04. Review status: criteria provided, single submitter. Criteria: ACMG Guidelines, 2015. Collection method: clinical testing. Allele origin: germline. Inheritance: Autosomal dominant inheritance. Observed: 1 variant allele, 1 heterozygote.
Comment: This missense variant replaces glycine with alanine at codon 1087 of the BRCA1 protein. Computational prediction suggests that this variant may not impact protein structure and function (internally defined REVEL score threshold <= 0.5, PMID: 27666373). To our knowledge, functional studies have not been reported for this variant. This variant has not been reported in individuals affected with hereditary cancer in the literature. This variant has been identified in 1/250540 chromosomes in the general population by the Genome Aggregation Database (gnomAD). The available evidence is insufficient to determine the role of this variant in disease conclusively. Therefore, this variant is classified as a Variant of Uncertain Significance.

This study involves interpretation of variants in research participants for the purpose of population health screening. Participant phenotype was not available at the time of variant classification. Additional details can be found in publication PMID: 35346344, PMCID: PMC8962531

Breast Cancer Information Core (BIC) (BRCA1)
Classification: Uncertain significance for Breast-ovarian cancer, familial 1. Last evaluated: 2003-12-23. Review status: no assertion criteria provided. Collection method: clinical testing. Allele origin: germline. Affected: yes. Observed: 1 variant allele. Not counted in ClinVar's aggregate classification.

Literature cited by the submitters: PubMed 15385441 (cited by Labcorp Genetics (formerly Invitae), Labcorp); PubMed 36169650 (cited by 3 submitters); PubMed 33471991 (cited by Quest Diagnostics Nichols Institute San Juan Capistrano); PubMed 31911673 (cited by Quest Diagnostics Nichols Institute San Juan Capistrano).

NM_007294.4(BRCA1):c.3260G>C (p.Gly1087Ala)

Genes: BRCA1 (BRCA1 DNA repair associated; minus strand), LOC126862571 (BRD4-independent group 4 enhancer GRCh37_chr17:41243136-41244335; plus strand). Cytogenetic location: 17q21.31.
Variant type: single nucleotide variant.
Coding change: c.3260G>C on transcript NM_007294.4 (MANE Select); coding-DNA position 3260, G replaced by C.
Protein change: p.Gly1087Ala; replaces glycine 1087 with alanine.
Molecular consequence: missense variant. On other transcripts: intron variant (137).
Genome position (GRCh38, 1-based): chr17:43,092,271, C>G on the plus strand (G>C on the coding strand, the complement: BRCA1 is on the minus strand). VCF-style: chr17-43092271-C-G. GRCh37 (hg19) VCF-style: chr17-41244288-C-G.
Other names: p.G1087A:GGG>GCG; c.788-1239G>C (NM_001407993.1, NM_001407976.1, NM_001408404.1 and 17 more transcripts); c.653-1239G>C (NM_001408451.1); c.644-1239G>C (NM_001408464.1, NM_001408468.1, NM_001408465.1 and 3 more transcripts); c.524-1239G>C (NM_001408498.1, NM_001408501.1, NM_001408500.1 and 3 more transcripts); c.647-1239G>C (NM_001408467.1, NM_001408459.1, NM_001408455.1 and 11 more transcripts); c.584-1239G>C (NM_001408475.1); c.710-1239G>C (NM_001408412.1, NM_001408409.1, NM_001408414.1 and 2 more transcripts); and 42 more; short protein forms G1087A, G1040A, G1039A, G1046A, G959A, G975A, G1017A, G1019A.
Identifiers: ClinVar variation 54812 (VCV000054812.35), dbSNP rs80357172, ClinGen allele CA002109.